The following is an entry in ClinVar:

NM_001040272.6(ADAMTSL1):c.3788T>C (p.Ile1263Thr)

Gene: ADAMTSL1 (ADAMTS like 1; plus strand). Cytogenetic location: 9p22.1.
Variant type: single nucleotide variant.
Coding change: c.3788T>C on transcript NM_001040272.6 (MANE Select); coding-DNA position 3788, T replaced by C.
Protein change: p.Ile1263Thr; replaces isoleucine 1263 with threonine.
Molecular consequence: missense variant.
Genome position (GRCh38, 1-based): chr9:18,795,507, T>C. VCF-style: chr9-18795507-T-C. GRCh37 (hg19) VCF-style: chr9-18795505-T-C.
Other names: short protein forms I1263T.
Identifiers: ClinVar variation 2659098 (VCV002659098.24), dbSNP rs1297680073, ClinGen allele CA373013395.

ClinVar aggregate classification (germline): Uncertain significance (1 of 4 stars; one submission).

Allele frequency attached by ClinVar (database versions not stated): gnomAD exomes below 0.00001.
gnomAD v4.1: 1 of 1,613,136 alleles (0.000062%); highest among the groups gnomAD compares: Non-Finnish European, 0.000085%; no homozygotes.

Submission:

CeGaT Center for Human Genetics Tuebingen
Classification: Uncertain significance. Last evaluated: 2022-03-01. Review status: criteria provided, single submitter. Criteria: CeGaT Center For Human Genetics Tuebingen Variant Classification Criteria Version 2. Collection method: clinical testing. Allele origin: germline. Affected: yes. Observed: 1 variant allele.
Comment: ADAMTSL1: PM2